The following is an entry in ClinVar:

NM_006593.4(TBR1):c.1356_1357insGCGGTC (p.Gly452_Pro453insAlaVal)

Gene: TBR1 (T-box brain transcription factor 1; plus strand). Cytogenetic location: 2q24.2.
Variant type: Microsatellite.
Coding change: c.1356_1357insGCGGTC on transcript NM_006593.4 (MANE Select); coding-DNA positions 1356 to 1357, GCGGTC inserted.
Protein change: p.Gly452_Pro453insAlaVal.
Molecular consequence: inframe insertion.
Genome position: GRCh38 VCF-style: chr2-161423533-G-GCGCGGT. GRCh37 (hg19) VCF-style: chr2-162280044-G-GCGCGGT.
Identifiers: ClinVar variation 4074534 (VCV004074534.1).
Genomic context (GRCh38, chr2:161,423,533, plus strand): 5'-TGCAGGACCAGTTCGTGAGCAACTACGCCAAGGCCCGCTTCCACCCGGGCGCGGGCGCGG[G>GCGCGGT]CCCCGGGCCGGGTACGGACCGCAGCGTGCCGCACACCAACGGGCTGCTGTCGCCGCAGCA-3'

ClinVar aggregate classification (germline): Uncertain significance (1 of 4 stars; one submission).

Submission:

GeneDx
Classification: Uncertain significance. Last evaluated: 2025-02-06. Review status: criteria provided, single submitter. Criteria: GeneDx Variant Classification Process June 2021. Collection method: clinical testing. Allele origin: germline. Affected: yes.
Comment: Not observed at significant frequency in large population cohorts (gnomAD); In-frame insertion of 2 amino acids in a non-repeat region; Has not been previously published as pathogenic or benign to our knowledge